The following is an entry in ClinVar:

ClinVar aggregate classification (germline): Uncertain significance (1 of 4 stars; one submission).

Conditions:
Hereditary cancer-predisposing syndrome. Also called: Neoplastic Syndromes, Hereditary; Tumor predisposition; Hereditary Cancer Syndrome; Hereditary neoplastic syndrome. Identifiers: Orphanet 140162, MedGen C0027672, MeSH D009386, MONDO:0015356.

Submission:

Ambry Genetics
Classification: Uncertain significance for Hereditary cancer-predisposing syndrome. Last evaluated: 2025-01-05. Review status: criteria provided, single submitter. Criteria: Ambry Variant Classification Scheme 2023. Collection method: clinical testing. Allele origin: germline.
Comment: The p.W110C variant (also known as c.330G>C), located in coding exon 1 of the ALK gene, results from a G to C substitution at nucleotide position 330. The tryptophan at codon 110 is replaced by cysteine, an amino acid with highly dissimilar properties. This amino acid position is conserved. In addition, this alteration is predicted to be tolerated by in silico analysis. Since supporting evidence is limited at this time, the clinical significance of this alteration remains unclear.

NM_004304.5(ALK):c.330G>C (p.Trp110Cys)

Gene: ALK (ALK receptor tyrosine kinase; minus strand). Cytogenetic location: 2p23.1.
Variant type: single nucleotide variant.
Coding change: c.330G>C on transcript NM_004304.5 (MANE Select); coding-DNA position 330, G replaced by C.
Protein change: p.Trp110Cys; replaces tryptophan 110 with cysteine.
Molecular consequence: missense variant.
Genome position (GRCh38, 1-based): chr2:29,920,330, C>G on the plus strand (G>C on the coding strand, the complement: ALK is on the minus strand). VCF-style: chr2-29920330-C-G. GRCh37 (hg19) VCF-style: chr2-30143196-C-G.
Other names: short protein forms W110C.
Identifiers: ClinVar variation 1730071 (VCV001730071.3), dbSNP rs2148443500, ClinGen allele CA346590248.
Genomic context (GRCh38, chr2:29,920,330, plus strand): 5'-GCCGCCCTTCAGCACCCTGGACAGCGTCCGGGCCTCTGCCGGGGCTGGTGAACCGGCGGT[C>G]CAGGAGACCCCCGGCGCCGGCCCCAGCAACCTGAGCAGCGGGGCGCAGTCCAGAGCTAGC-3'
Protein context (NP_004295.2, residues 100-120): RLLGPAPGVS[Trp110Cys]TAGSPAPAEA